The following is an entry in ClinVar:

NM_000059.4(BRCA2):c.2442del (p.Met815fs)

Gene: BRCA2 (BRCA2 DNA repair associated; plus strand). Cytogenetic location: 13q13.1.
Variant type: Deletion.
Coding change: c.2442del on transcript NM_000059.4 (MANE Select); coding-DNA position 2442, one base deleted (C; older notation c.2442delC).
Protein change: p.Met815fs; shifts the reading frame from methionine 815.
Molecular consequence: frameshift variant.
Genome position (GRCh38, 1-based): chr13:32,336,797, C deleted; the last of 3 consecutive C bases (chr13:32,336,795-32,336,797); deleting any one gives the same sequence. VCF-style (leftmost placement, unchanged base first): chr13-32336794-TC-T. GRCh37 (hg19) VCF-style: chr13-32910931-TC-T.
Other names: c.2442delC (NM_000059.3).
Identifiers: ClinVar variation 51286 (VCV000051286.15), dbSNP rs397507627, ClinGen allele CA015283.

ClinVar aggregate classification (germline): Pathogenic. Review status: reviewed by expert panel (3 of 4 stars). 6 submissions from 6 submitters: Pathogenic (1). 5 of the submissions do not count toward it. Last evaluated 2016-09-08.

Conditions:
BRCA2-related cancer predisposition. Identifiers: MedGen CN377758, MONDO:0700269.
Hereditary cancer-predisposing syndrome. Also called: Hereditary neoplastic syndrome; Neoplastic Syndromes, Hereditary; Hereditary Cancer Syndrome; Tumor predisposition. Identifiers: Orphanet 140162, MedGen C0027672, MeSH D009386, MONDO:0015356.
Hereditary breast ovarian cancer syndrome. Also called: Breast and ovarian cancer; Hereditary breast and ovarian cancer syndrome; BRCA1- and BRCA2-Associated Hereditary Breast and Ovarian Cancer; Hereditary breast and ovarian cancer syndrome (HBOC); Hereditary breast and/or ovarian cancer syndrome; Hereditary breast and ovarian cancer. Identifiers: Orphanet 145, MedGen C0677776, MeSH D061325, MONDO:0003582. Disease mechanism: loss of function.
Familial cancer of breast. Also called: hereditary breast carcinoma; Hereditary breast cancer; BREAST CANCER, FAMILIAL. Identifiers: Orphanet 227535, MedGen C0346153, MONDO:0016419, OMIM 114480. Disease mechanism: loss of function.
Breast-ovarian cancer, familial, susceptibility to, 2 (BROVCA2). Also called: BRCA2 Hereditary Breast and Ovarian Cancer. Identifiers: Orphanet 145, MedGen C2675520, MONDO:0012933, OMIM 612555. Disease mechanism: loss of function.

Submissions (6):

Evidence-based Network for the Interpretation of Germline Mutant Alleles (ENIGMA)
Classification: Pathogenic for Breast-ovarian cancer, familial, susceptibility to, 2. Last evaluated: 2016-09-08. Review status: reviewed by expert panel. Criteria: ENIGMA BRCA1/2 Classification Criteria (2015). Collection method: curation. Allele origin: germline.
Comment: Variant allele predicted to encode a truncated non-functional protein.

Labcorp Genetics (formerly Invitae), Labcorp
Classification: Pathogenic for Hereditary breast ovarian cancer syndrome. Last evaluated: 2025-08-29. Review status: criteria provided, single submitter. Criteria: Invitae Variant Classification Sherloc (09022015). Collection method: clinical testing. Allele origin: germline. Not counted in ClinVar's aggregate classification.
Comment: This sequence change creates a premature translational stop signal (p.Met815Trpfs*10) in the BRCA2 gene. It is expected to result in an absent or disrupted protein product. Loss-of-function variants in BRCA2 are known to be pathogenic (PMID: 20104584). This variant is present in population databases (rs760027075, gnomAD 0.006%). This premature translational stop signal has been observed in individual(s) with breast and/or ovarian cancer (PMID: 10323242, 25927356, 29566657). This variant is also known as 2670delC. ClinVar contains an entry for this variant (Variation ID: 51286). For these reasons, this variant has been classified as Pathogenic.

Division of Genetic & Genomic Pathology, Hong Kong Children's Hospital
Classification: Pathogenic for BRCA2-related cancer predisposition. Last evaluated: 2025-03-12. Review status: criteria provided, single submitter. Criteria: ACMG Guidelines, 2015. Collection method: clinical testing. Allele origin: germline. Affected: yes. Not counted in ClinVar's aggregate classification.
Comment: The BRCA2 c.2442del p.(Met815Trpfs*10) variant is a single nucleotide frameshift deletion located in exon 11 of the BRCA2 gene. It is predicted to generate mRNA transcripts with premature stop codon targeted by nonsense-mediated decay, resulting in absent protein production. Loss-of-function in BRCA2 is a known disease-causing mechanism for HBOC (PMID: 20104584). This variant is present at a very low frequency in population control databases (1 in 244,060 alleles in gnomAD v2.1.1; Absent in gnomAD v4.1.0). It has been classified as pathogenic by the Evidence-based Network for the Interpretation of Germline Mutant Alleles (ENIGMA) expert panel (ClinVar: VCV000051286.13).

Ambry Genetics
Classification: Pathogenic for Hereditary cancer-predisposing syndrome. Last evaluated: 2024-09-25. Review status: criteria provided, single submitter. Criteria: Ambry Variant Classification Scheme 2023. Collection method: clinical testing. Allele origin: germline. Not counted in ClinVar's aggregate classification.
Comment: The c.2442delC pathogenic mutation, located in coding exon 10 of the BRCA2 gene, results from a deletion of one nucleotide at nucleotide position 2442, causing a translational frameshift with a predicted alternate stop codon (p.M815Wfs*10). This alteration is expected to result in loss of function by premature protein truncation or nonsense-mediated mRNA decay. As such, this alteration is interpreted as a disease-causing mutation.

Baylor Genetics
Classification: Pathogenic for Familial cancer of breast. Last evaluated: 2023-03-28. Review status: criteria provided, single submitter. Criteria: ACMG Guidelines, 2015. Collection method: clinical testing. Allele origin: unknown. Not counted in ClinVar's aggregate classification.

Color Diagnostics, LLC DBA Color Health
Classification: Pathogenic for Hereditary cancer-predisposing syndrome. Last evaluated: 2020-06-02. Review status: criteria provided, single submitter. Criteria: ACMG Guidelines, 2015. Collection method: clinical testing. Allele origin: germline. Not counted in ClinVar's aggregate classification.
Comment: This variant deletes 1 nucleotide in exon 11 of the BRCA2 gene, creating a frameshift and premature translation stop signal. This variant is expected to result in an absent or non-functional protein product. This variant has been reported in individuals affected with breast cancer (PMID: 10323242, 25927356). This variant has been identified in 1/244060 chromosomes in the general population by the Genome Aggregation Database (gnomAD). Loss of BRCA2 function is a known mechanism of disease. Based on the available evidence, this variant is classified as Pathogenic.

Literature cited by the submitters: PubMed 20104584 (cited by Labcorp Genetics (formerly Invitae), Labcorp and Division of Genetic & Genomic Pathology, Hong Kong Children's Hospital); PubMed 10323242 (cited by Labcorp Genetics (formerly Invitae), Labcorp); PubMed 25927356 (cited by Labcorp Genetics (formerly Invitae), Labcorp); PubMed 29566657 (cited by Labcorp Genetics (formerly Invitae), Labcorp).